The following is an entry in ClinVar:

NM_013328.4(PYCR2):c.676C>T (p.Gln226Ter)

Gene: PYCR2 (pyrroline-5-carboxylate reductase 2; minus strand). Cytogenetic location: 1q42.12.
Variant type: single nucleotide variant.
Coding change: c.676C>T on transcript NM_013328.4 (MANE Select); coding-DNA position 676, C replaced by T.
Protein change: p.Gln226Ter; replaces glutamine 226 with a stop codon.
Molecular consequence: nonsense.
Genome position (GRCh38, 1-based): chr1:225,921,329, G>A on the plus strand (C>T on the coding strand, the complement: PYCR2 is on the minus strand). VCF-style: chr1-225921329-G-A. GRCh37 (hg19) VCF-style: chr1-226109029-G-A.
Other names: c.454C>T, p.Gln152Ter (NM_001271681.2); short protein forms Q152*, Q226*.
Identifiers: ClinVar variation 1334633 (VCV001334633.6), dbSNP rs201784173, ClinGen allele CA1420121.

ClinVar aggregate classification (germline): Pathogenic/Likely pathogenic. Review status: criteria provided, multiple submitters, no conflicts (2 of 4 stars). 3 submissions from 3 submitters: Pathogenic (1); Likely pathogenic (2). Last evaluated 2024-10-03.

Conditions:
Leukodystrophy, hypomyelinating, 10. Also called: PYCR2-related microcephaly-progressive leukoencephalopathy. Identifiers: Orphanet 481152, MedGen C4225332, MONDO:0014632, OMIM 616420.

Allele frequency attached by ClinVar (database versions not stated): gnomAD exomes 0.00001 and 0.00002; ExAC 0.00003; gnomAD 0.00008 and 0.00010; TOPMed 0.00014; 1000 Genomes Project 30x 0.00016; 1000 Genomes Project 0.00020.

Submissions (3):

Labcorp Genetics (formerly Invitae), Labcorp
Classification: Pathogenic. Last evaluated: 2024-10-03. Review status: criteria provided, single submitter. Criteria: Invitae Variant Classification Sherloc (09022015). Collection method: clinical testing. Allele origin: germline.
Comment: This sequence change creates a premature translational stop signal (p.Gln226*) in the PYCR2 gene. It is expected to result in an absent or disrupted protein product. Loss-of-function variants in PYCR2 are known to be pathogenic (PMID: 25865492, 27860360). This variant is present in population databases (rs201784173, gnomAD 0.02%). This variant has not been reported in the literature in individuals affected with PYCR2-related conditions. ClinVar contains an entry for this variant (Variation ID: 1334633). For these reasons, this variant has been classified as Pathogenic.

Laboratorio de Genetica e Diagnostico Molecular, Hospital Israelita Albert Einstein
Classification: Likely pathogenic for Leukodystrophy, hypomyelinating, 10. Last evaluated: 2023-01-20. Review status: criteria provided, single submitter. Criteria: ACMG Guidelines, 2015. Collection method: clinical testing. Allele origin: germline. Affected: yes. Observed: 1 variant allele.
Comment: ACMG classification criteria: PVS1 very strong, PM2 supporting

Greenwood Genetic Center Diagnostic Laboratories, Greenwood Genetic Center
Classification: Likely pathogenic for Leukodystrophy, hypomyelinating, 10. Last evaluated: 2021-10-29. Review status: criteria provided, single submitter. Criteria: ACMG Guidelines, 2015. Collection method: clinical testing. Allele origin: germline. Affected: yes.
Comment: PVS1, PM2

Literature cited by the submitters: PubMed 25865492 (cited by Labcorp Genetics (formerly Invitae), Labcorp); PubMed 27860360 (cited by Labcorp Genetics (formerly Invitae), Labcorp).